The following is an entry in ClinVar:

NM_020686.6(ABAT):c.1207G>A (p.Asp403Asn)

Gene: ABAT (4-aminobutyrate aminotransferase; plus strand). Cytogenetic location: 16p13.2.
Variant type: single nucleotide variant.
Coding change: c.1207G>A on transcript NM_020686.6 (MANE Select); coding-DNA position 1207, G replaced by A.
Protein change: p.Asp403Asn; replaces aspartic acid 403 with asparagine.
Molecular consequence: missense variant.
Genome position (GRCh38, 1-based): chr16:8,776,428, G>A. VCF-style: chr16-8776428-G-A. GRCh37 (hg19) VCF-style: chr16-8870285-G-A.
Other names: c.1207G>A, p.Asp403Asn (NM_000663.5, NM_001127448.2, NM_001386600.1 and 6 more transcripts); c.1168G>A, p.Asp390Asn (NM_001386605.1); c.1144G>A, p.Asp382Asn (NM_001386606.1, NM_001386607.1); c.1114G>A, p.Asp372Asn (NM_001386608.1); c.1072G>A, p.Asp358Asn (NM_001386610.1, NM_001386611.1); c.1009G>A, p.Asp337Asn (NM_001386612.1, NM_001386613.1); c.961G>A, p.Asp321Asn (NM_001386614.1); c.1303G>A, p.Asp435Asn (NM_001386615.1); short protein forms D358N, D337N, D403N, D372N, D382N, D435N, D321N, D390N.
Identifiers: ClinVar variation 1508811 (VCV001508811.3), dbSNP rs751974207, ClinGen allele CA394690313.

ClinVar aggregate classification (germline): Uncertain significance (1 of 4 stars; one submission).

Conditions:
Gamma-aminobutyric acid transaminase deficiency (GABATD). Also called: GABA aminotransaminase deficiency; GABA transaminase deficiency; Gamma aminobutyrate transaminase deficiency; 4 alpha aminobutyrate transaminase deficiency. Identifiers: Orphanet 2066, MedGen C0342708, MONDO:0013166, OMIM 613163.

Allele frequency attached by ClinVar (database versions not stated): gnomAD 0.00001; TOPMed 0.00001.
gnomAD v4.1: 5 of 1,614,074 alleles (0.00031%); highest among the groups gnomAD compares: Non-Finnish European, 0.00042%; no homozygotes.

Submission:

Labcorp Genetics (formerly Invitae), Labcorp
Classification: Uncertain significance for Gamma-aminobutyric acid transaminase deficiency. Last evaluated: 2021-07-30. Review status: criteria provided, single submitter. Criteria: Invitae Variant Classification Sherloc (09022015). Collection method: clinical testing. Allele origin: germline.
Comment: This sequence change replaces aspartic acid with asparagine at codon 403 of the ABAT protein (p.Asp403Asn). The aspartic acid residue is moderately conserved and there is a small physicochemical difference between aspartic acid and asparagine. This variant is not present in population databases (ExAC no frequency). This variant has not been reported in the literature in individuals affected with ABAT-related conditions. Algorithms developed to predict the effect of missense changes on protein structure and function (SIFT, PolyPhen-2, Align-GVGD) all suggest that this variant is likely to be tolerated. In summary, the available evidence is currently insufficient to determine the role of this variant in disease. Therefore, it has been classified as a Variant of Uncertain Significance.